The following is an entry in ClinVar:

ClinVar aggregate classification (germline): Uncertain significance. Review status: criteria provided, multiple submitters, no conflicts (2 of 4 stars). 2 submissions from 2 submitters: Uncertain significance (2). Last evaluated 2025-11-14.

Conditions:
Hereditary breast ovarian cancer syndrome. Also called: Hereditary breast and ovarian cancer syndrome; Hereditary breast and ovarian cancer syndrome (HBOC); BRCA1- and BRCA2-Associated Hereditary Breast and Ovarian Cancer; Hereditary breast and ovarian cancer; Breast and ovarian cancer; Hereditary breast and/or ovarian cancer syndrome. Identifiers: Orphanet 145, MedGen C0677776, MeSH D061325, MONDO:0003582. Disease mechanism: loss of function.
Hereditary cancer-predisposing syndrome. Also called: Neoplastic Syndromes, Hereditary; Tumor predisposition; Hereditary Cancer Syndrome; Hereditary neoplastic syndrome. Identifiers: Orphanet 140162, MedGen C0027672, MeSH D009386, MONDO:0015356.

Submissions (2):

Ambry Genetics
Classification: Uncertain significance for Hereditary cancer-predisposing syndrome. Last evaluated: 2025-11-14. Review status: criteria provided, single submitter. Criteria: Ambry Variant Classification Scheme 2023. Collection method: clinical testing. Allele origin: germline.
Comment: The p.N2556S variant (also known as c.7667A>G), located in coding exon 15 of the BRCA2 gene, results from an A to G substitution at nucleotide position 7667. The asparagine at codon 2556 is replaced by serine, an amino acid with highly similar properties. The results from two saturation genome editing-based studies, including a haploid cell-survival assay and a humanized mouse embryonic stem cell line assay of drug response and survival, are indeterminate for this nucleotide substitution (Huang H et al. Nature. 2025 Feb;638(8050):528-537; Sahu S et al. Nature. 2025 Feb;638(8050):538-545). This amino acid position is well conserved in available vertebrate species. In addition, the in silico prediction for this alteration is inconclusive. Based on the available evidence, the clinical significance of this variant remains unclear.

Labcorp Genetics (formerly Invitae), Labcorp
Classification: Uncertain significance for Hereditary breast ovarian cancer syndrome. Last evaluated: 2024-03-25. Review status: criteria provided, single submitter. Criteria: Invitae Variant Classification Sherloc (09022015). Collection method: clinical testing. Allele origin: germline.
Comment: This sequence change replaces asparagine, which is neutral and polar, with serine, which is neutral and polar, at codon 2556 of the BRCA2 protein (p.Asn2556Ser). This variant is not present in population databases (gnomAD no frequency). This variant has not been reported in the literature in individuals affected with BRCA2-related conditions. Advanced modeling of protein sequence and biophysical properties (such as structural, functional, and spatial information, amino acid conservation, physicochemical variation, residue mobility, and thermodynamic stability) performed at Invitae indicates that this missense variant is not expected to disrupt BRCA2 protein function with a negative predictive value of 95%. In summary, the available evidence is currently insufficient to determine the role of this variant in disease. Therefore, it has been classified as a Variant of Uncertain Significance.

NM_000059.4(BRCA2):c.7667A>G (p.Asn2556Ser)

Gene: BRCA2 (BRCA2 DNA repair associated; plus strand). Cytogenetic location: 13q13.1.
Variant type: single nucleotide variant.
Coding change: c.7667A>G on transcript NM_000059.4 (MANE Select); coding-DNA position 7667, A replaced by G.
Protein change: p.Asn2556Ser; replaces asparagine 2556 with serine.
Molecular consequence: missense variant. On other transcripts: non-coding transcript variant (1).
Genome position (GRCh38, 1-based): chr13:32,357,791, A>G. VCF-style: chr13-32357791-A-G. GRCh37 (hg19) VCF-style: chr13-32931928-A-G.
Other names: c.7571A>G, p.Asn2524Ser (NM_001406719.1); c.7667A>G, p.Asn2556Ser (NM_001406720.1, NM_001432077.1); c.2735A>G, p.Asn912Ser (NM_001406721.1); c.1250A>G, p.Asn417Ser (NM_001406722.1); short protein forms N2556S, N417S, N912S, N2524S.
Identifiers: ClinVar variation 3636524 (VCV003636524.3).